The following is an entry in ClinVar:

NM_007194.4(CHEK2):c.612G>T (p.Leu204=)

Gene: CHEK2 (checkpoint kinase 2; minus strand). Cytogenetic location: 22q12.1.
Variant type: single nucleotide variant.
Coding change: c.612G>T on transcript NM_007194.4 (MANE Select); coding-DNA position 612, G replaced by T.
Protein change: p.Leu204=; no amino-acid change (leucine 204 retained).
Molecular consequence: synonymous variant. On other transcripts: intron variant (1), 5 prime UTR variant (2).
Genome position (GRCh38, 1-based): chr22:28,719,466, C>A on the plus strand (G>T on the coding strand, the complement: CHEK2 is on the minus strand). VCF-style: chr22-28719466-C-A. GRCh37 (hg19) VCF-style: chr22-29115454-C-A.
Other names: c.482+5420G>T (NM_001349956.3); c.741G>T, p.Leu247= (NM_001005735.3, NM_001438294.1); c.-52G>T (NM_001257387.3, NM_001437942.1); c.705G>T, p.Leu235= (NM_001438293.1, NM_001438295.1); c.612G>T, p.Leu204= (NM_145862.3).
Identifiers: ClinVar variation 488869 (VCV000488869.19), dbSNP rs752876192, ClinGen allele CA501023.

ClinVar aggregate classification (germline): Conflicting classifications of pathogenicity. Review status: criteria provided, conflicting classifications (1 of 4 stars). 9 submissions from 9 submitters: Uncertain significance (4); Benign (1); Likely benign (4). Last evaluated 2025-12-29.

Conditions:
Hereditary cancer-predisposing syndrome. Also called: Hereditary Cancer Syndrome; Neoplastic Syndromes, Hereditary; Tumor predisposition; Hereditary neoplastic syndrome. Identifiers: Orphanet 140162, MedGen C0027672, MeSH D009386, MONDO:0015356.
Breast and/or ovarian cancer. Identifiers: MedGen CN221562.
Familial cancer of breast. Also called: Hereditary breast cancer; BREAST CANCER, FAMILIAL; hereditary breast carcinoma. Identifiers: Orphanet 227535, MedGen C0346153, MONDO:0016419, OMIM 114480. Disease mechanism: loss of function.

Allele frequency attached by ClinVar (database versions not stated): gnomAD exomes below 0.00001; ExAC 0.00002.
gnomAD v4.1: 2 of 1,592,146 alleles (0.00013%); highest among the groups gnomAD compares: South Asian, 0.0011%; no homozygotes.

Submissions (9):

Center for Genomic Medicine, Rigshospitalet, Copenhagen University Hospital
Classification: Uncertain significance. Last evaluated: 2025-12-29. Review status: criteria provided, single submitter. Criteria: ACMG Guidelines, 2015. Collection method: clinical testing. Allele origin: germline.

Labcorp Genetics (formerly Invitae), Labcorp
Classification: Likely benign for Familial cancer of breast. Last evaluated: 2025-11-12. Review status: criteria provided, single submitter. Criteria: Invitae Variant Classification Sherloc (09022015). Collection method: clinical testing. Allele origin: germline.

Color Diagnostics, LLC DBA Color Health
Classification: Uncertain significance for Hereditary cancer-predisposing syndrome. Last evaluated: 2024-10-04. Review status: criteria provided, single submitter. Criteria: ACMG Guidelines, 2015. Collection method: clinical testing. Allele origin: germline.
Comment: This variant is a synonymous variant located at codon204 in the CHEK2 gene. Splice site prediction tools suggest that this variant may impact RNA splicing. To our knowledge, RNA studies have not been reported for this variant. This variant has not been reported in individuals affected with CHEK2-related disorders in the literature. This variant has been identified in 1/226960 chromosomes in the general population by the Genome Aggregation Database (gnomAD). The available evidence is insufficient to determine the role of this variant in disease conclusively. Therefore, this variant is classified as a Variant of Uncertain Significance.

Myriad Genetics, Inc.
Classification: Benign for Familial cancer of breast. Last evaluated: 2024-10-03. Review status: criteria provided, single submitter. Criteria: Myriad Autosomal Dominant, Autosomal Recessive and X-Linked Classification Criteria (2023). Collection method: clinical testing. Allele origin: unknown.
Comment: This variant is considered benign. This variant is a silent/synonymous amino acid change and it is not expected to impact splicing.

Sema4
Classification: Uncertain significance for Hereditary cancer-predisposing syndrome. Last evaluated: 2022-02-10. Review status: criteria provided, single submitter. Criteria: Sema4 Curation Guidelines. Collection method: curation. Allele origin: germline.
Comment: The CHEK2 c.612G>T (p.L204=) variant has not been reported in the literature to our knowledge. It was observed in 1/226960 chromosomes in the large and broad cohorts of the Genome Aggregation Database (PMID: 32461654). This variant has been reported in ClinVar (Variation ID 488869). In silico tools suggest that this variant may have an impact on splicing, though these predictions have not been confirmed by functional studies. The evidence is insufficient to meet ACMG/AMP criteria for classifying the variant as benign or pathogenic. Thus, the clinical significance of this variant is currently uncertain.

Women's Health and Genetics/Laboratory Corporation of America, LabCorp
Classification: Likely benign. Last evaluated: 2019-08-28. Review status: criteria provided, single submitter. Criteria: LabCorp Variant Classification Summary - May 2015. Collection method: clinical testing. Allele origin: germline.

CHEO Genetics Diagnostic Laboratory, Children's Hospital of Eastern Ontario
Classification: Likely benign for Breast and/or ovarian cancer. Last evaluated: 2019-07-29. Review status: criteria provided, single submitter. Criteria: ACMG Guidelines, 2015. Collection method: clinical testing. Allele origin: germline.

Ambry Genetics
Classification: Likely benign for Hereditary cancer-predisposing syndrome. Last evaluated: 2019-03-07. Review status: criteria provided, single submitter. Criteria: Ambry Variant Classification Scheme 2023. Collection method: clinical testing. Allele origin: germline.

GeneDx
Classification: Uncertain significance. Last evaluated: 2017-09-29. Review status: criteria provided, single submitter. Criteria: GeneDx Variant Classification (06012015). Collection method: clinical testing. Allele origin: germline. Affected: yes.
Comment: This variant is denoted CHEK2 c.612G>T at the DNA level. Although this variant is silent at the coding level, preserving a Leucine at codon 204, it is predicted to increase the strength of a downstream splice acceptor site and to potentially cause abnormal splicing. In the absence of RNA or functional studies, however, the actual effect of this variant is unknown. This variant has not, to our knowledge, been published in the literature as pathogenic or benign. This variant was not observed in large population cohorts (Lek 2016). The nucleotide which is altered, a guanine (G) at base 612, is conserved in mammals. Based on currently available information, it is unclear whether CHEK2 c.612G>T is a pathogenic or benign variant. We consider it to be a variant of uncertain significance.